The following is an entry in ClinVar:

NM_006846.4(SPINK5):c.738C>T (p.Val246=)

Gene: SPINK5 (serine peptidase inhibitor Kazal type 5; plus strand). Cytogenetic location: 5q32.
Variant type: single nucleotide variant.
Coding change: c.738C>T on transcript NM_006846.4 (MANE Select); coding-DNA position 738, C replaced by T.
Protein change: p.Val246=; no amino-acid change (valine 246 retained).
Molecular consequence: synonymous variant.
Genome position (GRCh38, 1-based): chr5:148,094,425, C>T. VCF-style: chr5-148094425-C-T. GRCh37 (hg19) VCF-style: chr5-147473988-C-T.
Other names: c.738C>T, p.Val246= (NM_001127698.2, NM_001127699.2).
Identifiers: ClinVar variation 785438 (VCV000785438.17), dbSNP rs149544665, ClinGen allele CA3495330.
Genomic context (GRCh38, chr5:148,094,425, plus strand): 5'-GGAATATGAAAAACAAGTGAGAAATGGAAGGCTTTTTTGTACACGGGAGAGTGATCCAGT[C>T]CGTGGCCCTGACGGCAGGATGCATGGCAACAAATGTGCCCTGTGTGCTGAAATTTTGTGA-3'
Protein context (NP_006837.2, residues 236-256): RLFCTRESDP[Val246=]RGPDGRMHGN

ClinVar aggregate classification (germline): Benign/Likely benign. Review status: criteria provided, multiple submitters, no conflicts (2 of 4 stars). 4 submissions from 4 submitters: Benign (2); Likely benign (1). 1 of the submissions does not count toward it. Last evaluated 2026-01-12.

Conditions:
Netherton syndrome (NETH). Also called: ERYTHRODERMA, ICHTHYOSIFORM, WITH HYPOTRICHOSIS AND HYPER-IgE; COMEL-NETHERTON SYNDROME; NETHERTON DISEASE. Identifiers: Orphanet 634, MedGen C5574950, MONDO:0009735, OMIM 256500.
Ichthyosis linearis circumflexa. Identifiers: MedGen C0265962, MONDO:0043106, HP:0025810.
SPINK5-related disorder. Also called: SPINK5-related condition.

Allele frequency attached by ClinVar (database versions not stated): gnomAD 0.00027 and 0.00036; TOPMed 0.00055; gnomAD exomes 0.00084; ExAC 0.00087; 1000 Genomes Project 30x 0.00141; 1000 Genomes Project 0.00160.
gnomAD v4.1: 533 of 1,612,830 alleles (0.033%); highest among the groups gnomAD compares: East Asian, 1%; 6 homozygotes.

Submissions (4):

Labcorp Genetics (formerly Invitae), Labcorp
Classification: Benign for Ichthyosis linearis circumflexa. Last evaluated: 2026-01-12. Review status: criteria provided, single submitter. Criteria: Invitae Variant Classification Sherloc (09022015). Collection method: clinical testing. Allele origin: germline.

Blueprint Genetics
Classification: Likely benign. Last evaluated: 2024-07-05. Review status: criteria provided, single submitter. Criteria: ACMG Guidelines, 2015. Collection method: clinical testing. Allele origin: germline.

Illumina Laboratory Services, Illumina
Classification: Benign for Netherton syndrome. Last evaluated: 2018-01-13. Review status: criteria provided, single submitter. Criteria: ICSL Variant Classification Criteria 13 December 2019. Collection method: clinical testing. Allele origin: germline.
Comment: This variant was observed in the ICSL laboratory as part of a predisposition screen in an ostensibly healthy population. It had not been previously curated by ICSL or reported in the Human Gene Mutation Database (HGMD: prior to June 1st, 2018), and was therefore a candidate for classification through an automated scoring system. Utilizing variant allele frequency, disease prevalence and penetrance estimates, and inheritance mode, an automated score was calculated to assess if this variant is too frequent to cause the disease. Based on the score and internal cut-off values, a variant classified as benign is not then subjected to further curation. The score for this variant resulted in a classification of benign for this disease.

PreventionGenetics, part of Exact Sciences
Classification: Benign for SPINK5-related condition. Last evaluated: 2019-12-20. Review status: no assertion criteria provided. Collection method: clinical testing. Allele origin: germline. Not counted in ClinVar's aggregate classification.
Comment: This variant is classified as benign based on ACMG/AMP sequence variant interpretation guidelines (Richards et al. 2015 PMID: 25741868, with internal and published modifications).